The following is an entry in ClinVar:

NM_018105.3(THAP1):c.573C>T (p.Asp191=)

Gene: THAP1 (THAP domain containing 1; minus strand). Cytogenetic location: 8p11.21.
Variant type: single nucleotide variant.
Coding change: c.573C>T on transcript NM_018105.3 (MANE Select); coding-DNA position 573, C replaced by T.
Protein change: p.Asp191=; no amino-acid change (aspartic acid 191 retained).
Molecular consequence: synonymous variant. On other transcripts: 3 prime UTR variant (1).
Genome position (GRCh38, 1-based): chr8:42,838,031, G>A on the plus strand (C>T on the coding strand, the complement: THAP1 is on the minus strand). VCF-style: chr8-42838031-G-A. GRCh37 (hg19) VCF-style: chr8-42693174-G-A.
Other names: c.*215C>T (NM_199003.2).
Identifiers: ClinVar variation 2579048 (VCV002579048.25), dbSNP rs758882685, ClinGen allele CA4734522.

ClinVar aggregate classification (germline): Likely benign (1 of 4 stars; one submission).

Allele frequency attached by ClinVar (database versions not stated): gnomAD exomes 0.00001; TOPMed 0.00001; gnomAD 0.00002; ExAC 0.00004.
gnomAD v4.1: 19 of 1,613,574 alleles (0.0012%); highest among the groups gnomAD compares: African/African-American, 0.004%; no homozygotes.

Submission:

CeGaT Center for Human Genetics Tuebingen
Classification: Likely benign. Last evaluated: 2023-08-01. Review status: criteria provided, single submitter. Criteria: CeGaT Center For Human Genetics Tuebingen Variant Classification Criteria Version 2. Collection method: clinical testing. Allele origin: germline. Affected: yes. Observed: 1 variant allele.
Comment: THAP1: BP4, BP7